The following is an entry in ClinVar:

NM_001303256.3(MORC2):c.1039G>A (p.Asp347Asn)

Gene: MORC2 (MORC family CW-type zinc finger 2; minus strand). Cytogenetic location: 22q12.2.
Variant type: single nucleotide variant.
Coding change: c.1039G>A on transcript NM_001303256.3 (MANE Select); coding-DNA position 1039, G replaced by A.
Protein change: p.Asp347Asn; replaces aspartic acid 347 with asparagine.
Molecular consequence: missense variant.
Genome position (GRCh38, 1-based): chr22:30,939,655, C>T on the plus strand (G>A on the coding strand, the complement: MORC2 is on the minus strand). VCF-style: chr22-30939655-C-T. GRCh37 (hg19) VCF-style: chr22-31335642-C-T.
Other names: c.1039G>A, p.Asp347Asn (NM_001303257.2); c.853G>A, p.Asp285Asn (NM_014941.3); short protein forms D285N, D347N.
Identifiers: ClinVar variation 1043629 (VCV001043629.9), dbSNP rs138994326, ClinGen allele CA10187049.

ClinVar aggregate classification (germline): Uncertain significance (1 of 4 stars; one submission).

Conditions:
Charcot-Marie-Tooth disease axonal type 2Z. Also called: CHARCOT-MARIE-TOOTH DISEASE, AXONAL, AUTOSOMAL DOMINANT, TYPE 2Z; CHARCOT-MARIE-TOOTH NEUROPATHY, TYPE 2Z. Identifiers: Orphanet 466768, MedGen C5569025, MONDO:0014736, OMIM 616688.

Allele frequency attached by ClinVar (database versions not stated): gnomAD exomes below 0.00001 and 0.00001; ExAC 0.00002; ESP Exome Variant Server 0.00008.

Submission:

Labcorp Genetics (formerly Invitae), Labcorp
Classification: Uncertain significance for Charcot-Marie-Tooth disease axonal type 2Z. Last evaluated: 2022-09-18. Review status: criteria provided, single submitter. Criteria: Invitae Variant Classification Sherloc (09022015). Collection method: clinical testing. Allele origin: germline.
Comment: In summary, the available evidence is currently insufficient to determine the role of this variant in disease. Therefore, it has been classified as a Variant of Uncertain Significance. Advanced modeling of protein sequence and biophysical properties (such as structural, functional, and spatial information, amino acid conservation, physicochemical variation, residue mobility, and thermodynamic stability) has been performed at Invitae for this missense variant, however the output from this modeling did not meet the statistical confidence thresholds required to predict the impact of this variant on MORC2 protein function. ClinVar contains an entry for this variant (Variation ID: 1043629). This variant has not been reported in the literature in individuals affected with MORC2-related conditions. This variant is present in population databases (rs138994326, gnomAD 0.003%). This sequence change replaces aspartic acid, which is acidic and polar, with asparagine, which is neutral and polar, at codon 347 of the MORC2 protein (p.Asp347Asn).